The following is an entry in ClinVar:

NM_004304.5(ALK):c.3844T>A (p.Tyr1282Asn)

Gene: ALK (ALK receptor tyrosine kinase; minus strand). Cytogenetic location: 2p23.2.
Variant type: single nucleotide variant.
Coding change: c.3844T>A on transcript NM_004304.5 (MANE Select); coding-DNA position 3844, T replaced by A.
Protein change: p.Tyr1282Asn; replaces tyrosine 1282 with asparagine.
Molecular consequence: missense variant.
Genome position (GRCh38, 1-based): chr2:29,207,265, A>T on the plus strand (T>A on the coding strand, the complement: ALK is on the minus strand). VCF-style: chr2-29207265-A-T. GRCh37 (hg19) VCF-style: chr2-29430131-A-T.
Other names: c.640T>A, p.Tyr214Asn (NM_001353765.2); short protein forms Y1282N, Y214N.
Identifiers: ClinVar variation 3223878 (VCV003223878.1), dbSNP rs2148152242, ClinGen allele CA346469047.

ClinVar aggregate classification (germline): Uncertain significance (1 of 4 stars; one submission).

Conditions:
Hereditary cancer-predisposing syndrome. Also called: Tumor predisposition; Hereditary neoplastic syndrome; Hereditary Cancer Syndrome; Neoplastic Syndromes, Hereditary. Identifiers: Orphanet 140162, MedGen C0027672, MeSH D009386, MONDO:0015356.

Submission:

Ambry Genetics
Classification: Uncertain significance for Hereditary cancer-predisposing syndrome. Last evaluated: 2023-11-23. Review status: criteria provided, single submitter. Criteria: Ambry Variant Classification Scheme 2023. Collection method: clinical testing. Allele origin: germline.
Comment: The p.Y1282N variant (also known as c.3844T>A), located in coding exon 26 of the ALK gene, results from a T to A substitution at nucleotide position 3844. The tyrosine at codon 1282 is replaced by asparagine, an amino acid with dissimilar properties. This amino acid position is conserved. In addition, this alteration is predicted to be deleterious by in silico analysis. Since supporting evidence is limited at this time, the clinical significance of this alteration remains unclear.